The following is an entry in ClinVar:

NM_004655.4(AXIN2):c.2195C>A (p.Thr732Lys)

Gene: AXIN2 (axin 2; minus strand). Cytogenetic location: 17q24.1.
Variant type: single nucleotide variant.
Coding change: c.2195C>A on transcript NM_004655.4 (MANE Select); coding-DNA position 2195, C replaced by A.
Protein change: p.Thr732Lys; replaces threonine 732 with lysine.
Molecular consequence: missense variant.
Genome position (GRCh38, 1-based): chr17:65,535,668, G>T on the plus strand (C>A on the coding strand, the complement: AXIN2 is on the minus strand). VCF-style: chr17-65535668-G-T. GRCh37 (hg19) VCF-style: chr17-63531786-G-T.
Other names: c.2000C>A, p.Thr667Lys (NM_001363813.1); short protein forms T667K, T732K.
Identifiers: ClinVar variation 1351021 (VCV001351021.8), dbSNP rs373911689, ClinGen allele CA400675774.

ClinVar aggregate classification (germline): Uncertain significance (1 of 4 stars; one submission).

Conditions:
Oligodontia-cancer predisposition syndrome. Also called: TOOTH AGENESIS-COLORECTAL CANCER SYNDROME. Identifiers: Orphanet 300576, MedGen C1837750, MONDO:0012075, OMIM 608615. Disease mechanism: loss of function.

Submission:

Labcorp Genetics (formerly Invitae), Labcorp
Classification: Uncertain significance for Oligodontia-cancer predisposition syndrome. Last evaluated: 2024-06-04. Review status: criteria provided, single submitter. Criteria: Invitae Variant Classification Sherloc (09022015). Collection method: clinical testing. Allele origin: germline.
Comment: This sequence change replaces threonine, which is neutral and polar, with lysine, which is basic and polar, at codon 732 of the AXIN2 protein (p.Thr732Lys). This variant is not present in population databases (gnomAD no frequency). This variant has not been reported in the literature in individuals affected with AXIN2-related conditions. ClinVar contains an entry for this variant (Variation ID: 1351021). An algorithm developed to predict the effect of missense changes on protein structure and function (PolyPhen-2) suggests that this variant is likely to be tolerated. In summary, the available evidence is currently insufficient to determine the role of this variant in disease. Therefore, it has been classified as a Variant of Uncertain Significance.